The following is an entry in ClinVar:

NM_006420.3(ARFGEF2):c.3776A>G (p.His1259Arg)

Gene: ARFGEF2 (ARF guanine nucleotide exchange factor 2; plus strand). Cytogenetic location: 20q13.13.
Variant type: single nucleotide variant.
Coding change: c.3776A>G on transcript NM_006420.3 (MANE Select); coding-DNA position 3776, A replaced by G.
Protein change: p.His1259Arg; replaces histidine 1259 with arginine.
Molecular consequence: missense variant.
Genome position (GRCh38, 1-based): chr20:49,011,942, A>G. VCF-style: chr20-49011942-A-G. GRCh37 (hg19) VCF-style: chr20-47628479-A-G.
Other names: short protein forms H1259R.
Identifiers: ClinVar variation 1359449 (VCV001359449.8), dbSNP rs1487149640, ClinGen allele CA409322024.
Genomic context (GRCh38, chr20:49,011,942, plus strand): 5'-TAAATCCTGGTCTTATGAAAAATGTGCCTTGTGTTCCCCCAGCAACTATTTTCCAGCACC[A>G]TTTTCCTGCAGCCATCGATTCCTTTCAGGATGCTGTGAAGTGCTTATCAGAGTTCGCCTG-3'
Protein context (NP_006411.2, residues 1249-1269): CHIVTTIFQH[His1259Arg]FPAAIDSFQD

ClinVar aggregate classification (germline): Uncertain significance (1 of 4 stars; one submission).

Allele frequency attached by ClinVar (database versions not stated): gnomAD 0.00001; TOPMed 0.00001.
gnomAD v4.1: 19 of 1,613,950 alleles (0.0012%); highest among the groups gnomAD compares: Non-Finnish European, 0.0015%; no homozygotes.

Submission:

Labcorp Genetics (formerly Invitae), Labcorp
Classification: Uncertain significance. Last evaluated: 2021-04-02. Review status: criteria provided, single submitter. Criteria: Invitae Variant Classification Sherloc (09022015). Collection method: clinical testing. Allele origin: germline.
Comment: In summary, the available evidence is currently insufficient to determine the role of this variant in disease. Therefore, it has been classified as a Variant of Uncertain Significance. Algorithms developed to predict the effect of missense changes on protein structure and function (SIFT, PolyPhen-2, Align-GVGD) all suggest that this variant is likely to be tolerated, but these predictions have not been confirmed by published functional studies and their clinical significance is uncertain. This variant has not been reported in the literature in individuals with ARFGEF2-related conditions. This variant is not present in population databases (ExAC no frequency). This sequence change replaces histidine with arginine at codon 1259 of the ARFGEF2 protein (p.His1259Arg). The histidine residue is moderately conserved and there is a small physicochemical difference between histidine and arginine.